The following is an entry in ClinVar:

NM_177438.3(DICER1):c.3462A>C (p.Arg1154Ser)

Gene: DICER1 (dicer 1, ribonuclease III; minus strand). Cytogenetic location: 14q32.13.
Variant type: single nucleotide variant.
Coding change: c.3462A>C on transcript NM_177438.3 (MANE Select); coding-DNA position 3462, A replaced by C.
Protein change: p.Arg1154Ser; replaces arginine 1154 with serine.
Molecular consequence: missense variant.
Genome position (GRCh38, 1-based): chr14:95,103,934, T>G on the plus strand (A>C on the coding strand, the complement: DICER1 is on the minus strand). VCF-style: chr14-95103934-T-G. GRCh37 (hg19) VCF-style: chr14-95570271-T-G.
Other names: c.3462A>C, p.Arg1154Ser (NM_001195573.1, NM_001271282.3, NM_001291628.2 and 1 more transcripts); short protein forms R1154S.
Identifiers: ClinVar variation 477142 (VCV000477142.18), dbSNP rs192822778, ClinGen allele CA7331038.

ClinVar aggregate classification (germline): Conflicting classifications of pathogenicity. Review status: criteria provided, conflicting classifications (1 of 4 stars). 6 submissions from 6 submitters: Uncertain significance (5); Likely benign (1). Last evaluated 2026-07-08.

Conditions:
DICER1-related disorder. Also called: DICER1-related condition.
Global developmental delay - lung cysts - overgrowth - Wilms tumor syndrome. Also called: GLOBAL DEVELOPMENTAL DELAY, LUNG CYSTS, OVERGROWTH, AND WILMS TUMOR; GLOW Syndrome. Identifiers: Orphanet 404476, MedGen C4748924, MONDO:0018445, OMIM 618272.
DICER1-related tumor predisposition. Also called: DICER1 syndrome; DICER1-related pleuropulmonary blastoma cancer predisposition syndrome. Identifiers: Orphanet 284343, MedGen C3839822, MONDO:0100216.
Hereditary cancer-predisposing syndrome. Also called: Neoplastic Syndromes, Hereditary; Hereditary Cancer Syndrome; Tumor predisposition; Hereditary neoplastic syndrome. Identifiers: Orphanet 140162, MedGen C0027672, MeSH D009386, MONDO:0015356.

Allele frequency attached by ClinVar (database versions not stated): ExAC 0.00001; gnomAD exomes 0.00001; TOPMed 0.00003; gnomAD 0.00005 and 0.00006.
gnomAD v4.1: 17 of 1,614,084 alleles (0.0011%); highest among the groups gnomAD compares: Admixed American, 0.015%; no homozygotes.

Submissions (6):

PreventionGenetics, part of Exact Sciences
Classification: Uncertain significance for DICER1-related condition. Last evaluated: 2026-07-08. Review status: criteria provided, single submitter. Criteria: ACMG Guidelines, 2015. Collection method: clinical testing. Allele origin: germline.
Comment: The DICER1 c.3462A>C variant is predicted to result in the amino acid substitution p.Arg1154Ser. This variant was reported in a study of germline variants in patients with ovarian cancer (Somohano-Short et al. 2024. PubMed ID: 39554377). This variant is reported in 0.0058% of alleles in individuals of Latino descent in gnomAD and most ClinVar submitters interpret this variant as a variant of uncertain significance (VUS) (Variation ID: 477142). At this time, the clinical significance of this variant is uncertain due to the absence of conclusive functional and genetic evidence.

Labcorp Genetics (formerly Invitae), Labcorp
Classification: Uncertain significance for DICER1-related tumor predisposition. Last evaluated: 2026-02-03. Review status: criteria provided, single submitter. Criteria: Invitae Variant Classification Sherloc (09022015). Collection method: clinical testing. Allele origin: germline.
Comment: This sequence change replaces arginine, which is basic and polar, with serine, which is neutral and polar, at codon 1154 of the DICER1 protein (p.Arg1154Ser). This variant is present in population databases (rs192822778, gnomAD 0.006%). This variant has not been reported in the literature in individuals affected with DICER1-related conditions. ClinVar contains an entry for this variant (Variation ID: 477142). Invitae Evidence Modeling of protein sequence and biophysical properties (such as structural, functional, and spatial information, amino acid conservation, physicochemical variation, residue mobility, and thermodynamic stability) indicates that this missense variant is not expected to disrupt DICER1 protein function with a negative predictive value of 95%. In summary, the available evidence is currently insufficient to determine the role of this variant in disease. Therefore, it has been classified as a Variant of Uncertain Significance.

Hereditary Cancer Group, L’Institut d'Investigació Biomèdica de Bellvitge
Classification: Likely benign for Hereditary cancer-predisposing syndrome. Last evaluated: 2024-12-19. Review status: criteria provided, single submitter. Criteria: Hatton et al. (Hum Mutat. 2023). Collection method: clinical testing. Allele origin: germline. Inheritance: Autosomal dominant inheritance. Affected: yes.
Comment: BS1, BP4

Baylor Genetics
Classification: Uncertain significance for Global developmental delay - lung cysts - overgrowth - Wilms tumor syndrome. Last evaluated: 2023-12-18. Review status: criteria provided, single submitter. Criteria: ACMG Guidelines, 2015. Collection method: clinical testing. Allele origin: unknown.

Ambry Genetics
Classification: Uncertain significance for Hereditary cancer-predisposing syndrome. Last evaluated: 2023-11-22. Review status: criteria provided, single submitter. Criteria: Ambry Variant Classification Scheme 2023. Collection method: clinical testing. Allele origin: germline.
Comment: The p.R1154S variant (also known as c.3462A>C), located in coding exon 20 of the DICER1 gene, results from an A to C substitution at nucleotide position 3462. The arginine at codon 1154 is replaced by serine, an amino acid with dissimilar properties. This amino acid position is well conserved in available vertebrate species. In addition, the in silico prediction for this alteration is inconclusive. Since supporting evidence is limited at this time, the clinical significance of this alteration remains unclear.

GeneDx
Classification: Uncertain significance. Last evaluated: 2022-11-30. Review status: criteria provided, single submitter. Criteria: GeneDx Variant Classification Process June 2021. Collection method: clinical testing. Allele origin: germline. Affected: yes.
Comment: Not observed at significant frequency in large population cohorts (gnomAD); In silico analysis supports that this missense variant does not alter protein structure/function; Has not been previously published as pathogenic or benign to our knowledge